The following is an entry in ClinVar:

ClinVar aggregate classification (germline): Uncertain significance. Review status: criteria provided, multiple submitters, no conflicts (2 of 4 stars). 3 submissions from 3 submitters: Uncertain significance (3). Last evaluated 2023-12-10.

Conditions:
Familial thoracic aortic aneurysm and aortic dissection (TAAD). Also called: Thoracic aortic aneurysms and dissections. Identifiers: Orphanet 91387, MedGen C4707243, MONDO:0019625.

Allele frequency attached by ClinVar (database versions not stated): gnomAD exomes below 0.00001 and 0.00001; gnomAD 0.00001; ExAC 0.00002; ESP Exome Variant Server 0.00008; 1000 Genomes Project 30x 0.00016; 1000 Genomes Project 0.00020.
gnomAD v4.1: 2 of 1,614,182 alleles (0.00012%); highest among the groups gnomAD compares: South Asian, 0.0011%; no homozygotes.

Submissions (3):

Ambry Genetics
Classification: Uncertain significance for Familial thoracic aortic aneurysm and aortic dissection. Last evaluated: 2023-12-10. Review status: criteria provided, single submitter. Criteria: Ambry Variant Classification Scheme 2023. Collection method: clinical testing. Allele origin: germline.
Comment: The p.N1346S variant (also known as c.4037A>G), located in coding exon 29 of the MYH11 gene, results from an A to G substitution at nucleotide position 4037. The asparagine at codon 1346 is replaced by serine, an amino acid with highly similar properties. This amino acid position is conserved. In addition, this alteration is predicted to be tolerated by in silico analysis. Since supporting evidence is limited at this time, the clinical significance of this alteration remains unclear.

All of Us Research Program, National Institutes of Health
Classification: Uncertain significance for Familial thoracic aortic aneurysm and aortic dissection. Last evaluated: 2023-02-10. Review status: criteria provided, single submitter. Criteria: ACMG Guidelines, 2015. Collection method: clinical testing. Allele origin: germline. Inheritance: Autosomal dominant inheritance. Observed: 1 variant allele, 1 heterozygote.
Comment: This missense variant replaces asparagine with serine at codon 1353 of the MYH11 protein. Computational prediction suggests that this variant may not impact protein structure and function (internally defined REVEL score threshold <= 0.5, PMID: 27666373). To our knowledge, functional studies have not been reported for this variant. This variant has not been reported in individuals affected with cardiovascular disorders in the literature. This variant has been identified in 2/250812 chromosomes in the general population by the Genome Aggregation Database (gnomAD). The available evidence is insufficient to determine the role of this variant in disease conclusively. Therefore, this variant is classified as a Variant of Uncertain Significance.

This study involves interpretation of variants in research participants for the purpose of population health screening. Participant phenotype was not available at the time of variant classification. Additional details can be found in publication PMID: 35346344, PMCID: PMC8962531

Color Diagnostics, LLC DBA Color Health
Classification: Uncertain significance for Familial thoracic aortic aneurysm and aortic dissection. Last evaluated: 2021-06-28. Review status: criteria provided, single submitter. Criteria: ACMG Guidelines, 2015. Collection method: clinical testing. Allele origin: germline.
Comment: This missense variant replaces asparagine with serine at codon 1353 of the MYH11 protein. Computational prediction suggests that this variant may not impact protein structure and function (internally defined REVEL score threshold <= 0.5, PMID: 27666373). To our knowledge, functional studies have not been reported for this variant. This variant has not been reported in individuals affected with cardiovascular disorders in the literature. This variant has been identified in 2/250812 chromosomes in the general population by the Genome Aggregation Database (gnomAD). The available evidence is insufficient to determine the role of this variant in disease conclusively. Therefore, this variant is classified as a Variant of Uncertain Significance.

NM_002474.3(MYH11):c.4037A>G (p.Asn1346Ser)

Genes: MYH11 (myosin heavy chain 11; minus strand), NDE1 (nudE neurodevelopment protein 1; plus strand). Cytogenetic location: 16p13.11.
Variant type: single nucleotide variant.
Coding change: c.4037A>G on transcript NM_002474.3 (MANE Select); coding-DNA position 4037, A replaced by G.
Protein change: p.Asn1346Ser; replaces asparagine 1346 with serine.
Molecular consequence: missense variant. On other transcripts: 3 prime UTR variant (2).
Genome position (GRCh38, 1-based): chr16:15,724,726, T>C on the plus strand (A>G on the coding strand, the complement: MYH11 is on the minus strand). VCF-style: chr16-15724726-T-C. GRCh37 (hg19) VCF-style: chr16-15818583-T-C.
Other names: c.4058A>G, p.Asn1353Ser (NM_001040113.2, NM_001040114.2); c.4037A>G, p.Asn1346Ser (NM_022844.3); c.*475T>C (NM_001143979.2, NM_017668.3); short protein forms N1353S, N1346S.
Identifiers: ClinVar variation 922477 (VCV000922477.5), dbSNP rs371790612, ClinGen allele CA7921803.